The following is an entry in ClinVar:

NM_006947.4(SRP72):c.848A>G (p.Lys283Arg)

Gene: SRP72 (signal recognition particle 72; plus strand). Cytogenetic location: 4q12.
Variant type: single nucleotide variant.
Coding change: c.848A>G on transcript NM_006947.4 (MANE Select); coding-DNA position 848, A replaced by G.
Protein change: p.Lys283Arg; replaces lysine 283 with arginine.
Molecular consequence: missense variant. On other transcripts: non-coding transcript variant (1).
Genome position (GRCh38, 1-based): chr4:56,483,161, A>G. VCF-style: chr4-56483161-A-G. GRCh37 (hg19) VCF-style: chr4-57349327-A-G.
Other names: c.665A>G, p.Lys222Arg (NM_001267722.2); short protein forms K222R, K283R.
Identifiers: ClinVar variation 5030214 (VCV005030214.1).
Genomic context (GRCh38, chr4:56,483,161, plus strand): 5'-GAGATTCTGTTAATGATAGATAAACTTTTCTTTGTTAGGACCAAAATGTCTTTGACTCCA[A>G]GAAGAAAGTGAAATTAACCAATGCGGAAGGAGTAGAGTTTAAGCTTTCCAAGAAACAACT-3'
Protein context (NP_008878.3, residues 273-293): INKDQNVFDS[Lys283Arg]KKVKLTNAEG

ClinVar aggregate classification (germline): Uncertain significance (1 of 4 stars; one submission).

Submission:

Ambry Genetics
Classification: Uncertain significance. Last evaluated: 2026-06-18. Review status: criteria provided, single submitter. Criteria: Ambry Variant Classification Scheme 2023. Collection method: clinical testing. Allele origin: germline.
Comment: The p.K283R variant (also known as c.848A>G), located in coding exon 9 of the SRP72 gene, results from an A to G substitution at nucleotide position 848. The lysine at codon 283 is replaced by arginine, an amino acid with highly similar properties. This amino acid position is conserved. In addition, the in silico prediction for this alteration is inconclusive. Based on the available evidence, the clinical significance of this variant remains unclear.